The following is an entry in ClinVar:

ClinVar aggregate classification (germline): Uncertain significance. Review status: criteria provided, multiple submitters, no conflicts (2 of 4 stars). 2 submissions from 2 submitters: Uncertain significance (2). Last evaluated 2026-04-03.

Conditions:
Joubert syndrome 21 (JBTS21). Identifiers: MedGen C3810212, MONDO:0014288, OMIM 615636.

Allele frequency attached by ClinVar (database versions not stated): gnomAD 0.00007; gnomAD exomes 0.00004; TOPMed 0.00006.
gnomAD v4.1: 65 of 1,529,760 alleles (0.0042%); highest among the groups gnomAD compares: Admixed American, 0.023%; no homozygotes.

Submissions (2):

GeneDx
Classification: Uncertain significance. Last evaluated: 2026-04-03. Review status: criteria provided, single submitter. Criteria: GeneDx Variant Classification Process June 2021. Collection method: clinical testing. Allele origin: germline.
Comment: Not observed at significant frequency in large population cohorts (gnomAD); In silico analysis supports that this missense variant has a deleterious effect on protein structure/function; Has not been previously published as pathogenic or benign to our knowledge

Labcorp Genetics (formerly Invitae), Labcorp
Classification: Uncertain significance for Joubert syndrome 21. Last evaluated: 2022-07-06. Review status: criteria provided, single submitter. Criteria: Invitae Variant Classification Sherloc (09022015). Collection method: clinical testing. Allele origin: germline.
Comment: In summary, the available evidence is currently insufficient to determine the role of this variant in disease. Therefore, it has been classified as a Variant of Uncertain Significance. This sequence change replaces arginine, which is basic and polar, with tryptophan, which is neutral and slightly polar, at codon 118 of the CSPP1 protein (p.Arg118Trp). This variant is present in population databases (no rsID available, gnomAD 0.01%). This variant has not been reported in the literature in individuals affected with CSPP1-related conditions. ClinVar contains an entry for this variant (Variation ID: 1412870). Algorithms developed to predict the effect of missense changes on protein structure and function are either unavailable or do not agree on the potential impact of this missense change (SIFT: "Deleterious"; PolyPhen-2: "Possibly Damaging"; Align-GVGD: "Class C0").

NM_001382391.1(CSPP1):c.244C>T (p.Arg82Trp)

Gene: CSPP1 (centrosome and spindle pole associated protein 1; plus strand). Cytogenetic location: 8q13.1.
Variant type: single nucleotide variant.
Coding change: c.244C>T on transcript NM_001382391.1 (MANE Select); coding-DNA position 244, C replaced by T.
Protein change: p.Arg82Trp; replaces arginine 82 with tryptophan.
Molecular consequence: missense variant. On other transcripts: 5 prime UTR variant (1).
Genome position (GRCh38, 1-based): chr8:67,086,051, C>T. VCF-style: chr8-67086051-C-T. GRCh37 (hg19) VCF-style: chr8-67998286-C-T.
Other names: c.-531C>T (NM_001291339.2); c.244C>T, p.Arg82Trp (NM_001363131.2, NM_001363132.2, NM_001363133.2); c.352C>T, p.Arg118Trp (NM_001364869.1, NM_001364870.1, NM_024790.7); short protein forms R118W, R82W.
Identifiers: ClinVar variation 1412870 (VCV001412870.6), dbSNP rs1024300760, ClinGen allele CA178187891.
Genomic context (GRCh38, chr8:67,086,051, plus strand): 5'-GTTGTTTTTTTTCTAGGAATTGATTATGGATTAAGTTTACCACTTGGAGAAGACTATGAA[C>T]GGAAGAAACATAAATTAAAAGAAGAATTGCGGCAAGATTACAGACGTTATCTTACTCAGG-3'
Protein context (NP_001369320.1, residues 72-92): LSLPLGEDYE[Arg82Trp]KKHKLKEELR